The following is an entry in ClinVar:

NM_000540.3(RYR1):c.5759A>G (p.Glu1920Gly)

Gene: RYR1 (ryanodine receptor 1; plus strand). Cytogenetic location: 19q13.2.
Variant type: single nucleotide variant.
Coding change: c.5759A>G on transcript NM_000540.3 (MANE Select); coding-DNA position 5759, A replaced by G.
Protein change: p.Glu1920Gly; replaces glutamic acid 1920 with glycine.
Molecular consequence: missense variant.
Genome position (GRCh38, 1-based): chr19:38,489,388, A>G. VCF-style: chr19-38489388-A-G. GRCh37 (hg19) VCF-style: chr19-38980028-A-G.
Other names: c.5759A>G, p.Glu1920Gly (NM_001042723.2); short protein forms E1920G.
Identifiers: ClinVar variation 3074572 (VCV003074572.1), dbSNP rs745694069, ClinGen allele CA067432.

ClinVar aggregate classification (germline): Uncertain significance (1 of 4 stars; one submission).

Conditions:
Malignant hyperthermia, susceptibility to, 1 (MHS1). Also called: Anesthesia related hyperthermia; Malignant hyperpyrexia; Fulminating hyperpyrexia; Pharmacogenic myopathy; RYR1-Related Malignant Hyperthermia Susceptibility; Malignant hyperthermia suceptibility 1. Identifiers: Orphanet 423, MedGen C2930980, MONDO:0007783, OMIM 145600.

Allele frequency attached by ClinVar (database versions not stated): gnomAD exomes below 0.00001; ExAC 0.00002; gnomAD 0.00002; TOPMed 0.00002.
gnomAD v4.1: 4 of 1,613,832 alleles (0.00025%); highest among the groups gnomAD compares: African/African-American, 0.0053%; no homozygotes.

Submission:

All of Us Research Program, National Institutes of Health
Classification: Uncertain significance for Malignant hyperthermia, susceptibility to, 1. Last evaluated: 2023-11-20. Review status: criteria provided, single submitter. Criteria: ACMG Guidelines, 2015. Collection method: clinical testing. Allele origin: germline. Inheritance: Autosomal dominant inheritance. Observed: 1 variant allele, 1 heterozygote.
Comment: This missense variant replaces glutamic acid with glycine at codon 1920 of the RYR1 protein. Computational prediction suggests that this variant may not impact protein structure and function (internally defined REVEL score threshold <= 0.5, PMID: 27666373). To our knowledge, functional studies have not been reported for this variant. This variant has not been reported in individuals affected with RYR1-related disorders in the literature. This variant has been identified in 2/248948 chromosomes in the general population by the Genome Aggregation Database (gnomAD). The available evidence is insufficient to determine the role of this variant in disease conclusively. Therefore, this variant is classified as a Variant of Uncertain Significance.

This study involves interpretation of variants in research participants for the purpose of population health screening. Participant phenotype was not available at the time of variant classification. Additional details can be found in publication PMID: 35346344, PMCID: PMC8962531